The following is an entry in ClinVar:

ClinVar aggregate classification (germline): Conflicting classifications of pathogenicity. Review status: criteria provided, conflicting classifications (1 of 4 stars). 2 submissions from 2 submitters: Likely pathogenic (1); Uncertain significance (1). Last evaluated 2026-04-28.

Conditions:
Glycine encephalopathy. Also called: Nonketotic hyperglycinemia; Non-ketotic hyperglycinemia. Identifiers: Orphanet 407, MedGen C0751748, MONDO:0011612, HP:0008288.
Glycine encephalopathy 2 (GCE2). Identifiers: MedGen C5830559, MONDO:0958192, OMIM 620398.

Allele frequency attached by ClinVar (database versions not stated): gnomAD 0.00002; TOPMed 0.00002.
gnomAD v4.1: 42 of 1,613,858 alleles (0.0026%); highest among the groups gnomAD compares: East Asian, 0.0089%; no homozygotes.

Submissions (2):

Myriad Genetics, Inc.
Classification: Uncertain significance for Glycine encephalopathy 2. Last evaluated: 2026-04-28. Review status: criteria provided, single submitter. Criteria: Myriad Autosomal Dominant, Autosomal Recessive and X-Linked Classification Criteria (2023). Collection method: clinical testing. Allele origin: unknown.
Comment: NM_000481.3(AMT):c.991C>T(R331W) is a missense variant classified as a variant of uncertain significance in the context of glycine encephalopathy, AMT-related. R331W has not been observed in cases with relevant disease. Relevant functional assessments of this variant are not available in the literature. R331W has been observed in referenced population frequency databases. In summary, there is insufficient evidence to classify NM_000481.3(AMT):c.991C>T(R331W) as pathogenic or benign. Please note: this variant was assessed in the context of healthy population screening.

Labcorp Genetics (formerly Invitae), Labcorp
Classification: Likely pathogenic for Glycine encephalopathy. Last evaluated: 2025-08-29. Review status: criteria provided, single submitter. Criteria: Invitae Variant Classification Sherloc (09022015). Collection method: clinical testing. Allele origin: germline.
Comment: This sequence change replaces arginine, which is basic and polar, with tryptophan, which is neutral and slightly polar, at codon 331 of the AMT protein (p.Arg331Trp). This variant is present in population databases (rs541011963, gnomAD 0.004%). This variant has not been reported in the literature in individuals affected with AMT-related conditions. ClinVar contains an entry for this variant (Variation ID: 2171612). Invitae Evidence Modeling of protein sequence and biophysical properties (such as structural, functional, and spatial information, amino acid conservation, physicochemical variation, residue mobility, and thermodynamic stability) indicates that this missense variant is expected to disrupt AMT protein function with a positive predictive value of 95%. This variant disrupts the p.Arg331 amino acid residue in AMT. Other variant(s) that disrupt this residue have been determined to be pathogenic (PMID: 27362913). This suggests that this residue is clinically significant, and that variants that disrupt this residue are likely to be disease-causing. In summary, the currently available evidence indicates that the variant is pathogenic, but additional data are needed to prove that conclusively. Therefore, this variant has been classified as Likely Pathogenic.

Literature cited by the submitters: PubMed 27362913 (cited by Labcorp Genetics (formerly Invitae), Labcorp).

NM_000481.4(AMT):c.991C>T (p.Arg331Trp)

Gene: AMT (aminomethyltransferase; minus strand). Cytogenetic location: 3p21.31.
Variant type: single nucleotide variant.
Coding change: c.991C>T on transcript NM_000481.4 (MANE Select); coding-DNA position 991, C replaced by T.
Protein change: p.Arg331Trp; replaces arginine 331 with tryptophan.
Molecular consequence: missense variant. On other transcripts: non-coding transcript variant (1).
Genome position (GRCh38, 1-based): chr3:49,417,860, G>A on the plus strand (C>T on the coding strand, the complement: AMT is on the minus strand). VCF-style: chr3-49417860-G-A. GRCh37 (hg19) VCF-style: chr3-49455293-G-A.
Other names: c.859C>T, p.Arg287Trp (NM_001164710.2); c.823C>T, p.Arg275Trp (NM_001164711.2); c.991C>T, p.Arg331Trp (NM_001164712.2); short protein forms R287W, R275W, R331W.
Identifiers: ClinVar variation 2171612 (VCV002171612.5), dbSNP rs541011963, ClinGen allele CA2398186.
Genomic context (GRCh38, chr3:49,417,860, plus strand): 5'-CTTCCCTGGTCCACCTACCAATCTTGGTACCCTCCATGTTCAGGATGGGACTGTGTGCCC[G>A]CATGGGGGCCCCCTCACACATCAACCCCACACGCCTCCGCTGCACCCTGCCCTTCAGCTG-3'
Protein context (NP_000472.2, residues 321-341): VGLMCEGAPM[Arg331Trp]AHSPILNMEG